The following is an entry in ClinVar:

ClinVar aggregate classification (germline): Likely benign (0 of 4 stars; one submission).

Conditions:
SLC14A1-related disorder. Also called: SLC14A1-related condition.

Submission:

PreventionGenetics, part of Exact Sciences
Classification: Likely benign for SLC14A1-related condition. Last evaluated: 2020-01-17. Review status: no assertion criteria provided. Collection method: clinical testing. Allele origin: germline.
Comment: This variant is classified as likely benign based on ACMG/AMP sequence variant interpretation guidelines (Richards et al. 2015 PMID: 25741868, with internal and published modifications).

NM_015865.7(SLC14A1):c.471-10_471-8del

Gene: SLC14A1 (solute carrier family 14 member 1 (Kidd blood group); plus strand). Cytogenetic location: 18q12.3.
Variant type: Deletion.
Coding change: c.471-10_471-8del on transcript NM_015865.7 (MANE Select); 10 bases into the intron before coding-DNA position 471 through 8 bases into the intron before coding-DNA position 471, 3 bases deleted (CTT; older notation c.471-10_471-8delCTT).
Molecular consequence: intron variant.
Genome position (GRCh38, 1-based): chr18:45,736,446-45,736,448, CTT deleted; deleting any 3 consecutive bases within chr18:45,736,444-45,736,448 gives the same sequence; the c. name uses the placement nearest the transcript's 3' end. VCF-style (leftmost placement, unchanged base first): chr18-45736443-GTTC-G. GRCh37 (hg19) VCF-style: chr18-43316408-GTTC-G.
Other names: c.639-10_639-8del (NM_001128588.4, NM_001146037.1); c.471-10_471-8del (NM_001146036.3); c.156-10_156-8del (NM_001308278.2); c.75-10_75-8del (NM_001308279.2).
Identifiers: ClinVar variation 3038047 (VCV003038047.2), dbSNP rs769340452, ClinGen allele CA8947394.